The following is an entry in ClinVar:

NM_001242896.3(DEPDC5):c.3016A>T (p.Met1006Leu)

Gene: DEPDC5 (DEP domain containing 5, GATOR1 subcomplex subunit; plus strand). Cytogenetic location: 22q12.3.
Variant type: single nucleotide variant.
Coding change: c.3016A>T on transcript NM_001242896.3 (MANE Select); coding-DNA position 3016, A replaced by T.
Protein change: p.Met1006Leu; replaces methionine 1006 with leucine.
Molecular consequence: missense variant. On other transcripts: non-coding transcript variant (5).
Genome position (GRCh38, 1-based): chr22:31,845,232, A>T. VCF-style: chr22-31845232-A-T. GRCh37 (hg19) VCF-style: chr22-32241218-A-T.
Other names: c.2989A>T, p.Met997Leu (NM_001136029.4, NM_001369903.1, NM_014662.6); c.2782A>T, p.Met928Leu (NM_001242897.2, NM_001363854.2, NM_001364319.2); c.3016A>T, p.Met1006Leu (NM_001363852.2, NM_001364318.2, NM_001364320.2); c.2932A>T, p.Met978Leu (NM_001369901.1, NM_001369902.1); c.3016A>T (NM_001242896.1); short protein forms M1006L, M928L, M997L, M978L.
Identifiers: ClinVar variation 2170787 (VCV002170787.5), dbSNP rs555631046, ClinGen allele CA10196846.
Genomic context (GRCh38, chr22:31,845,232, plus strand): 5'-TTTGTCCGCTTTGTGGAGGGCTTGAATCGCATTCGCAGGCGGCATCGCTCGGATCGCATG[A>T]TGCGGGTAAGGGCTCCTTAGACTCAGGGAGTGCGCCTGGTGTGAGATGCAGGGCCTGCCA-3'
Protein context (NP_001229825.1, residues 996-1016): IRRRHRSDRM[Met1006Leu]RKGTAMKGLQ

ClinVar aggregate classification (germline): Uncertain significance. Review status: criteria provided, multiple submitters, no conflicts (2 of 4 stars). 2 submissions from 2 submitters: Uncertain significance (2). Last evaluated 2025-06-06.

Conditions:
Inborn genetic diseases. Identifiers: MedGen C0950123, MeSH D030342.
Familial focal epilepsy with variable foci (FPEVF). Identifiers: Orphanet 98820, MedGen C1858477, MONDO:0020310.

Allele frequency attached by ClinVar (database versions not stated): gnomAD exomes below 0.00001; ExAC 0.00001; TOPMed 0.00001; gnomAD 0.00002.

Submissions (2):

Ambry Genetics
Classification: Uncertain significance for Inborn genetic diseases. Last evaluated: 2025-06-06. Review status: criteria provided, single submitter. Criteria: Ambry Variant Classification Scheme 2023. Collection method: clinical testing. Allele origin: germline.

Labcorp Genetics (formerly Invitae), Labcorp
Classification: Uncertain significance for Familial focal epilepsy with variable foci. Last evaluated: 2022-09-16. Review status: criteria provided, single submitter. Criteria: Invitae Variant Classification Sherloc (09022015). Collection method: clinical testing. Allele origin: germline.
Comment: This variant is present in population databases (rs555631046, gnomAD 0.0009%). This sequence change replaces methionine, which is neutral and non-polar, with leucine, which is neutral and non-polar, at codon 1006 of the DEPDC5 protein (p.Met1006Leu). This variant has not been reported in the literature in individuals affected with DEPDC5-related conditions. Algorithms developed to predict the effect of missense changes on protein structure and function are either unavailable or do not agree on the potential impact of this missense change (SIFT: "Tolerated"; PolyPhen-2: "Not Available"; Align-GVGD: "Class C0"). In summary, the available evidence is currently insufficient to determine the role of this variant in disease. Therefore, it has been classified as a Variant of Uncertain Significance.